The following is an entry in ClinVar:

NM_139057.4(ADAMTS17):c.233A>G (p.Glu78Gly)

Gene: ADAMTS17 (ADAM metallopeptidase with thrombospondin type 1 motif 17; minus strand). Cytogenetic location: 15q26.3.
Variant type: single nucleotide variant.
Coding change: c.233A>G on transcript NM_139057.4 (MANE Select); coding-DNA position 233, A replaced by G.
Protein change: p.Glu78Gly; replaces glutamic acid 78 with glycine.
Molecular consequence: missense variant.
Genome position (GRCh38, 1-based): chr15:100,341,256, T>C on the plus strand (A>G on the coding strand, the complement: ADAMTS17 is on the minus strand). VCF-style: chr15-100341256-T-C. GRCh37 (hg19) VCF-style: chr15-100881461-T-C.
Other names: c.233A>G (NM_139057.3); short protein forms E78G.
Identifiers: ClinVar variation 315320 (VCV000315320.13), dbSNP rs886050980, ClinGen allele CA10646679.

ClinVar aggregate classification (germline): Conflicting classifications of pathogenicity. Review status: criteria provided, conflicting classifications (1 of 4 stars). 5 submissions from 5 submitters: Uncertain significance (4); Likely benign (1). Last evaluated 2025-10-18.

Conditions:
ADAMTS17-related disorder. Also called: ADAMTS17-related condition.
Weill-Marchesani 4 syndrome, recessive. Also called: Weill-Marchesani syndrome 4. Identifiers: Orphanet 363992, MedGen C2750787, MONDO:0013176, OMIM 613195.
Inborn genetic diseases. Identifiers: MedGen C0950123, MeSH D030342.

Allele frequency attached by ClinVar (database versions not stated): gnomAD 0.00003; TOPMed 0.00004; gnomAD exomes below 0.00001 and 0.00002.
gnomAD v4.1: 23 of 1,316,254 alleles (0.0017%); highest among the groups gnomAD compares: East Asian, 0.014%; no homozygotes.

Submissions (5):

PreventionGenetics, part of Exact Sciences
Classification: Uncertain significance for ADAMTS17-related condition. Last evaluated: 2025-10-18. Review status: criteria provided, single submitter. Criteria: ACMG Guidelines, 2015. Collection method: clinical testing. Allele origin: germline.
Comment: The ADAMTS17 c.233A>G variant is predicted to result in the amino acid substitution p.Glu78Gly. To our knowledge, this variant has not been reported in the literature. This variant is reported in 0.046% of alleles in individuals of East Asian descent in gnomAD. At this time, the clinical significance of this variant is uncertain due to the absence of conclusive functional and genetic evidence.

Ambry Genetics
Classification: Uncertain significance for Inborn genetic diseases. Last evaluated: 2025-09-10. Review status: criteria provided, single submitter. Criteria: Ambry Variant Classification Scheme 2023. Collection method: clinical testing. Allele origin: germline.

3billion
Classification: Likely benign for Weill-Marchesani 4 syndrome, recessive. Last evaluated: 2024-09-20. Review status: criteria provided, single submitter. Criteria: ACMG Guidelines, 2015. Collection method: clinical testing. Allele origin: germline. Affected: no.
Comment: The homozygous variant was found in patients diagnosed with another variant in a different gene, with no symptoms related to the gene containing the homozygous variant.

Labcorp Genetics (formerly Invitae), Labcorp
Classification: Uncertain significance. Last evaluated: 2022-06-04. Review status: criteria provided, single submitter. Criteria: Invitae Variant Classification Sherloc (09022015). Collection method: clinical testing. Allele origin: germline.
Comment: This sequence change replaces glutamic acid, which is acidic and polar, with glycine, which is neutral and non-polar, at codon 78 of the ADAMTS17 protein (p.Glu78Gly). The frequency data for this variant in the population databases is considered unreliable, as metrics indicate poor data quality at this position in the gnomAD database. This variant has not been reported in the literature in individuals affected with ADAMTS17-related conditions. ClinVar contains an entry for this variant (Variation ID: 315320). Algorithms developed to predict the effect of missense changes on protein structure and function are either unavailable or do not agree on the potential impact of this missense change (SIFT: "Not Available"; PolyPhen-2: "Benign"; Align-GVGD: "Not Available"). In summary, the available evidence is currently insufficient to determine the role of this variant in disease. Therefore, it has been classified as a Variant of Uncertain Significance.

Illumina Laboratory Services, Illumina
Classification: Uncertain significance for Weill-Marchesani 4 syndrome, recessive. Last evaluated: 2018-01-13. Review status: criteria provided, single submitter. Criteria: ICSL Variant Classification Criteria 13 December 2019. Collection method: clinical testing. Allele origin: germline.